The following is an entry in ClinVar:

ClinVar aggregate classification (germline): Likely benign. Review status: criteria provided, multiple submitters, no conflicts (2 of 4 stars). 2 submissions from 2 submitters: Likely benign (2). Last evaluated 2025-11-03.

Conditions:
PAX6-related disorder. Also called: PAX6-related disorders; PAX6-related condition.
Irido-corneo-trabecular dysgenesis (ASGD5). Also called: ANTERIOR SEGMENT DYSGENESIS 5. Identifiers: Orphanet 708, MedGen C0344559, MONDO:0011414, OMIM 604229, HP:0000659.
Aniridia 1 (AN1). Identifiers: Orphanet 250923, MedGen C0344542, MONDO:0024507, OMIM 106210.

Allele frequency attached by ClinVar (database versions not stated): gnomAD 0.00001; gnomAD exomes 0.00001; ExAC 0.00002; TOPMed 0.00003.
gnomAD v4.1: 9 of 1,614,022 alleles (0.00056%); highest among the groups gnomAD compares: Admixed American, 0.0033%; no homozygotes.

Submissions (2):

Labcorp Genetics (formerly Invitae), Labcorp
Classification: Likely benign for Aniridia 1; Irido-corneo-trabecular dysgenesis. Last evaluated: 2025-11-03. Review status: criteria provided, single submitter. Criteria: Invitae Variant Classification Sherloc (09022015). Collection method: clinical testing. Allele origin: germline.

PreventionGenetics, part of Exact Sciences
Classification: Likely benign for PAX6-related condition. Last evaluated: 2025-01-09. Review status: criteria provided, single submitter. Criteria: ACMG Guidelines, 2015. Collection method: clinical testing. Allele origin: germline.
Comment: This variant is classified as likely benign based on ACMG/AMP sequence variant interpretation guidelines (Richards et al. 2015 PMID: 25741868, with internal and published modifications).

NM_001368894.2(PAX6):c.1164C>T (p.Pro388=)

Gene: PAX6 (paired box 6; minus strand). Cytogenetic location: 11p13.
Variant type: single nucleotide variant.
Coding change: c.1164C>T on transcript NM_001368894.2 (MANE Select); coding-DNA position 1164, C replaced by T.
Protein change: p.Pro388=; no amino-acid change (proline 388 retained).
Molecular consequence: synonymous variant. On other transcripts: non-coding transcript variant (1), intron variant (9).
Genome position (GRCh38, 1-based): chr11:31,790,771, G>A on the plus strand (C>T on the coding strand, the complement: PAX6 is on the minus strand). VCF-style: chr11-31790771-G-A. GRCh37 (hg19) VCF-style: chr11-31812319-G-A.
Other names: c.1122C>T, p.Pro374= (NM_000280.6, NM_001127612.3, NM_001258464.2 and 6 more transcripts); c.1164C>T, p.Pro388= (NM_001258462.3, NM_001258463.2, NM_001310158.2 and 3 more transcripts); c.714C>T, p.Pro238= (NM_001310160.2, NM_001310161.3, NM_001368899.2 and 10 more transcripts); c.1365C>T, p.Pro455= (NM_001368910.2); c.1239C>T, p.Pro413= (NM_001368918.2, NM_001368919.2); c.1197C>T, p.Pro399= (NM_001368920.2); c.963C>T, p.Pro321= (NM_001368922.2, NM_001368923.2, NM_001368924.2 and 3 more transcripts); c.921C>T, p.Pro307= (NM_001368928.2); and 7 more.
Identifiers: ClinVar variation 1574088 (VCV001574088.9), dbSNP rs764134540, ClinGen allele CA5933677.